The following is an entry in ClinVar:

ClinVar aggregate classification (germline): Pathogenic. Review status: criteria provided, multiple submitters, no conflicts (2 of 4 stars). 3 submissions from 3 submitters: Pathogenic (3). Last evaluated 2024-01-25.

Conditions:
Familial cancer of breast. Also called: BREAST CANCER, FAMILIAL; Hereditary breast cancer; hereditary breast carcinoma. Identifiers: Orphanet 227535, MedGen C0346153, MONDO:0016419, OMIM 114480. Disease mechanism: loss of function.
Ataxia-telangiectasia syndrome (AT). Also called: ATAXIA-TELANGIECTASIA, COMPLEMENTATION GROUP A; ATAXIA-TELANGIECTASIA, FRESNO VARIANT; Ataxia-telangiectasia, complementation group D; LOUIS-BAR SYNDROME; AT, COMPLEMENTATION GROUP C; Ataxia-telangiectasia. Identifiers: Orphanet 100, MedGen C0004135, MONDO:0008840, OMIM 208900.

Submissions (3):

Myriad Genetics, Inc.
Classification: Pathogenic for Familial cancer of breast. Last evaluated: 2024-01-25. Review status: criteria provided, single submitter. Criteria: Myriad Autosomal Dominant, Autosomal Recessive and X-Linked Classification Criteria (2023). Collection method: clinical testing. Allele origin: unknown.
Comment: This variant is considered pathogenic. This variant creates a termination codon and is predicted to result in premature protein truncation.

Labcorp Genetics (formerly Invitae), Labcorp
Classification: Pathogenic for Ataxia-telangiectasia syndrome. Last evaluated: 2023-12-17. Review status: criteria provided, single submitter. Criteria: Invitae Variant Classification Sherloc (09022015). Collection method: clinical testing. Allele origin: germline.
Comment: This sequence change creates a premature translational stop signal (p.Gln1867*) in the ATM gene. It is expected to result in an absent or disrupted protein product. Loss-of-function variants in ATM are known to be pathogenic (PMID: 23807571, 25614872). This variant is not present in population databases (gnomAD no frequency). This variant has not been reported in the literature in individuals affected with ATM-related conditions. For these reasons, this variant has been classified as Pathogenic.

GeneDx
Classification: Pathogenic. Last evaluated: 2023-10-23. Review status: criteria provided, single submitter. Criteria: GeneDx Variant Classification Process June 2021. Collection method: clinical testing. Allele origin: germline. Affected: yes.
Comment: Nonsense variant predicted to result in nonsense mediated decay in a gene for which loss of function is a known mechanism of disease; Not observed at significant frequency in large population cohorts (gnomAD); Truncating variants in this gene are considered pathogenic by a well-established clinical consortium and/or database; Has not been previously published as pathogenic or benign to our knowledge

Literature cited by the submitters: PubMed 23807571 (cited by Labcorp Genetics (formerly Invitae), Labcorp); PubMed 25614872 (cited by Labcorp Genetics (formerly Invitae), Labcorp).

NM_000051.4(ATM):c.5599C>T (p.Gln1867Ter)

Gene: ATM (ATM serine/threonine kinase; plus strand). Cytogenetic location: 11q22.3.
Variant type: single nucleotide variant.
Coding change: c.5599C>T on transcript NM_000051.4 (MANE Select); coding-DNA position 5599, C replaced by T.
Protein change: p.Gln1867Ter; replaces glutamine 1867 with a stop codon.
Molecular consequence: nonsense.
Genome position (GRCh38, 1-based): chr11:108,304,777, C>T. VCF-style: chr11-108304777-C-T. GRCh37 (hg19) VCF-style: chr11-108175504-C-T.
Other names: c.5599C>T, p.Gln1867Ter (NM_001351834.2); short protein forms Q1867*.
Identifiers: ClinVar variation 2703662 (VCV002703662.5), dbSNP rs2135944782, ClinGen allele CA382546223.
Genomic context (GRCh38, chr11:108,304,777, plus strand): 5'-CATGATATTTTACTCCAAGATACAAATGAATCATGGAGAAATCTGCTTTCTACACATGTT[C>T]AGGGATTTTTCACCAGCTGTCTTCGACACTTCTCGCAAACGAGCCGATCCACAACCCCTG-3'